The following continues an entry in ClinVar:

NM_000048.4(ASL):c.35G>A (p.Arg12Gln)

Gene: ASL. ClinVar aggregate classification (germline): Pathogenic/Likely pathogenic. Pathogenic (21); Likely pathogenic (7).

Submissions 13 to 30 of 30:

Women's Health and Genetics/Laboratory Corporation of America, LabCorp
Classification: Pathogenic for Argininosuccinate lyase deficiency. Last evaluated: 2023-03-15. Review status: criteria provided, single submitter. Criteria: LabCorp Variant Classification Summary - May 2015. Collection method: clinical testing. Allele origin: germline.
Comment: Variant summary: ASL c.35G>A (p.Arg12Gln) results in a conservative amino acid change located in the fumarate lyase, N-terminal domain (IPR022761) of the encoded protein sequence. Four of five in-silico tools predict a damaging effect of the variant on protein function. The variant allele was found at a frequency of 0.0011 in 250818 control chromosomes in the gnomAD database, including 1 homozygote. This frequency is not significantly higher than estimated for a pathogenic variant in ASL causing Argininosuccinic Aciduria (0.0011 vs 0.0042), allowing no conclusion about variant significance. c.35G>A has been reported in the literature in multiple individuals affected with Argininosuccinic Aciduria, including at least one homozygote and one case where it was reported as a de novo occurrence (e.g. Mercimek-Mahmutoglu_2010, Balmer_2014, Al-Hashim_2016). These data indicate that the variant is very likely to be associated with disease. At least two publications report experimental evidence evaluating an impact on protein function and both found that the variant effect results in equal to or less than 10% of normal activity (e.g. Sampaleanu_2001, Hu_2015). Sixteen submitters have provided clinical-significance assessments for this variant to ClinVar after 2014 and all classified the variant as pathogenic (n=10)/likely pathogenic (n=6). Based on the evidence outlined above, the variant was classified as pathogenic.

Greenwood Genetic Center Diagnostic Laboratories, Greenwood Genetic Center
Classification: Pathogenic for Argininosuccinate lyase deficiency. Last evaluated: 2023-02-16. Review status: criteria provided, single submitter. Criteria: ACMG Guidelines, 2015. Collection method: clinical testing. Allele origin: germline. Affected: yes.
Comment: PM3_Very strong, PS3, PP3

Laboratorio de Genetica e Diagnostico Molecular, Hospital Israelita Albert Einstein
Classification: Pathogenic for Argininosuccinate lyase deficiency. Last evaluated: 2022-03-18. Review status: criteria provided, single submitter. Criteria: ACMG Guidelines, 2015. Collection method: clinical testing. Allele origin: germline. Affected: yes. Observed: 1 variant allele.
Comment: ACMG classification criteria: PS3 supporting, PM3 very strong, PP3 supporting

Dasa
Classification: Pathogenic for Argininosuccinate lyase deficiency. Last evaluated: 2022-01-05. Review status: criteria provided, single submitter. Criteria: ACMG Guidelines, 2015. Collection method: clinical testing. Allele origin: germline. Affected: yes. Observed: 1 variant allele.
Comment: The c.35G>A;p.(Arg12Gln) missense variant has been observed in affected individual(s) and ClinVar contains an entry for this variant (Clinvar ID 92360; 20236848; 24166829; 28251416) - PS4. Well-established in vitro or in vivo functional studies support a damaging effect on the gene or gene product (PMID: 25778938) - PS3_supporting. The variant is present at low allele frequencies population databases (rs145138923– gnomAD 0.01163%; ABraOM 0.001281 frequency) - PM2_supporting. The p.(Arg12Gln) was detected in trans with a pathogenic variant (PMID: 20236848: 26661037; 28251416) - PM3_very strong The variant was assumed de novo, but without confirmation of paternity and maternity (PMID: 26661037) - PM6. Multiple lines of computational evidence support a deleterious effect on the gene or gene product - PP3. In summary, the currently available evidence indicates that the variant is pathogenic.

Myriad Genetics, Inc.
Classification: Likely pathogenic for Argininosuccinate lyase deficiency. Last evaluated: 2021-11-04. Review status: criteria provided, single submitter. Criteria: Myriad Women's Health Autosomal Recessive and X-Linked Classification Criteria (2021). Collection method: clinical testing. Allele origin: unknown.
Comment: NM_001024943.1(ASL):c.35G>A(R12Q) is a missense variant classified as likely pathogenic in the context of argininosuccinic aciduria. Please note that R12Q is associated with a broad spectrum of disease, ranging from clinically asymptomatic to classic argininosuccinic aciduria. R12Q has been observed in cases with relevant disease (PMID: 28251416, 24166829, 31943503, 31056765). Functional assessments of this variant are available in the literature (PMID: 11747432, 25778938, 31943503). R12Q has been observed in population frequency databases (gnomAD: NFE 0.19%). In summary, NM_001024943.1(ASL):c.35G>A(R12Q) is a missense variant that has functional support for pathogenicity and has been observed more frequently in cases with the relevant disease than in healthy populations. Please note: this variant was assessed in the context of healthy population screening.

New York Genome Center
Classification: Likely pathogenic for Argininosuccinate lyase deficiency. Last evaluated: 2021-08-20. Review status: criteria provided, single submitter. Criteria: NYGC Assertion Criteria 2020. Collection method: clinical testing. Allele origin: germline. Observed: 1 heterozygote. Study: CSER-NYCKidSeq.

Molecular Genetics, Royal Melbourne Hospital
Classification: Likely pathogenic for Argininosuccinate lyase deficiency. Last evaluated: 2021-08-10. Review status: criteria provided, single submitter. Criteria: ACMG Guidelines, 2015. Collection method: clinical testing. Allele origin: germline. Affected: yes.
Comment: This sequence change is predicted to replace arginine with glutamine at codon 12 of the ASL protein (p.(Arg12Gln)). The arginine residue is evolutionarily conserved (100 vertebrates, UCSC), and is located in the lyase 1 domain. There is a small physicochemical difference between arginine and glutamine. The variant is present in a large population cohort at a frequency of 0.1% (rs145138923, 316/282,204 alleles, 1 homozygote in gnomAD v2.1). The variant has been identified in a homozygous state and compound heterozygous with a second allele in multiple individuals with a phenotype ranging from asymptomatic to agenesis of the corpus callosum or moderate intellectual disability with mild cerebellar atrophy (PMID: 20236848, 24166829, 26661037, 28251416). Impaired enzyme activity has been measured in patient red blood cells and in vitro functional assays expressing the variant (PMID: 11747432, 20236848, 25778938). Multiple lines of computational evidence predict a deleterious effect for the missense substitution (6/6 algorithms). Based on the classification scheme RMH ACMG Guidelines v1.4.0, this variant is classified as LIKELY PATHOGENIC. Following criteria are met: PM3_Strong, PS3_Supporting, PP3, PP4.

Department of Pathology and Laboratory Medicine, Sinai Health System
Classification: Pathogenic for argininosuccinic aciduria. Last evaluated: 2021-07-30. Review status: criteria provided, single submitter. Criteria: ACMG Guidelines, 2015. Collection method: research. Allele origin: germline.

Genome-Nilou Lab
Classification: Likely pathogenic for Argininosuccinate lyase deficiency. Last evaluated: 2021-07-22. Review status: criteria provided, single submitter. Criteria: ACMG Guidelines, 2015. Collection method: clinical testing. Allele origin: germline. Affected: no.

Fulgent Genetics
Classification: Pathogenic for Argininosuccinate lyase deficiency. Last evaluated: 2018-10-31. Review status: criteria provided, single submitter. Criteria: ACMG Guidelines, 2015. Collection method: clinical testing. Allele origin: unknown.

Genome Diagnostics Laboratory, University Medical Center Utrecht
Classification: Pathogenic for Argininosuccinate lyase deficiency. Last evaluated: 2017-07-28. Review status: criteria provided, single submitter. Criteria: ACGS Guidelines, 2013. Collection method: clinical testing. Allele origin: germline. Affected: yes. Study: VKGL Data-share Consensus.

Illumina Laboratory Services, Illumina
Classification: Pathogenic for Argininosuccinate lyase deficiency. Last evaluated: 2017-04-27. Review status: criteria provided, single submitter. Criteria: ICSL Variant Classification Criteria 09 May 2019. Collection method: clinical testing. Allele origin: germline.
Comment: The ASL c.35G>A (p.Arg12Gln) missense variant is reported in two studies in at least nine individuals with argininosuccinate lyase deficiency, including eight compound heterozygotes and one individual in whom zygosity is not noted (Sampaleanu et al. 2001; Balmer et al. 2014). All reported individuals exhibited a mild phenotype. Control data are unavailable for this variant, which is reported at a frequency of 0.00314 in the European American population of the Exome Sequencing Project. Kinetic analysis of the p.Arg12Gln variant by Sampaleanu et al. (2001) showed the Kcat was reduced by 18-fold and the Km was decreased by 2-fold, and Hu et al. (2015) reported that the p.Arg12Gln variant had a specific activity of 4.3% of wild type when expressed in HEK293T cells. Based on the evidence, the p.Arg12Gln variant is classified as pathogenic for argininosuccinate lyase deficiency. This variant was observed by ICSL as part of a predisposition screen in an ostensibly healthy population.

Center for Pediatric Genomic Medicine, Children's Mercy Hospital and Clinics
Classification: Likely pathogenic. Last evaluated: 2016-10-31. Review status: criteria provided, single submitter. Criteria: ACMG Guidelines, 2015. Collection method: clinical testing. Allele origin: germline.

Laboratory for Molecular Medicine, Mass General Brigham Personalized Medicine
Classification: Pathogenic for Argininosuccinate lyase deficiency. Last evaluated: 2015-12-29. Review status: criteria provided, single submitter. Criteria: ACMG Guidelines, 2015. Collection method: clinical testing. Allele origin: germline. Inheritance: Autosomal recessive inheritance.
Comment: The p.Arg12Gln variant in ASL, after its first description by Sampaleanu et al. 2001, has been reported in at least 11 individuals with Argininosuccinate lyase deficiency (Balmer 2014, Mercimek-Mahmutoglu 2010) both in the homozygous and the compound heterozygous state. This variant has been identified in 0.18% (118/65326) of European chromosomes by the Exome Aggregation Consortium (ExAC; dbSNP rs145138923). Although this variant has been seen in the general population, its frequency is low enough to be consistent with a recessive carrier frequency. In addition, computational prediction tools and conservation analysis suggest that the p.Arg12Gln variant may impact the protein. In summary, this variant meets our criteria to be classified as pathogenic for Arginosuccinate lyase deficiency in an autosomal recessive manner.

Genetic Services Laboratory, University of Chicago
Classification: Pathogenic for Argininosuccinic aciduria. Last evaluated: 2015-03-07. Review status: criteria provided, single submitter. Criteria: ACMG Guidelines, 2015. Collection method: clinical testing. Allele origin: germline. Affected: yes.

Eurofins Ntd Llc (ga)
Classification: Pathogenic. Last evaluated: 2013-02-21. Review status: criteria provided, single submitter. Criteria: EGL Classification Definitions 2015. Collection method: clinical testing. Allele origin: germline. Observed: 14 variant alleles, 13 heterozygotes, 1 homozygote.

PreventionGenetics, part of Exact Sciences
Classification: Pathogenic for ASL-related condition. Last evaluated: 2024-02-19. Review status: no assertion criteria provided. Collection method: clinical testing. Allele origin: germline. Not counted in ClinVar's aggregate classification.
Comment: The ASL c.35G>A variant is predicted to result in the amino acid substitution p.Arg12Gln. This variant has been reported in the homozygous and compound heterozygous state in individuals with argininosuccinate lyase deficiency (Balmer et al. 2014. PubMed ID: 24166829). In the homozygous state, the p.Arg12Gln substitution was associated with an attenuated course of disease (Balmer et al. 2014. PubMed ID: 24166829). In functional studies, the activity of the argininosuccinate lyase enzyme containing the p.Arg12Gln substitution was decreased relative to wild-type (Sampaleanu et al. 2001. PubMed ID: 11747432; Hu et al. 2015. PubMed ID: 25778938). This variant is reported in 0.19% of alleles in individuals of European (Non-Finnish) descent in gnomAD. This variant is interpreted as pathogenic.

Clinical Genetics, Academic Medical Center
Classification: Pathogenic. Review status: no assertion criteria provided. Collection method: clinical testing. Allele origin: germline. Affected: yes. Study: VKGL Data-share Consensus. Not counted in ClinVar's aggregate classification.

Literature cited by the submitters: PubMed 19015152 (cited by OLLIN Analises Genomicas, OLLIN); PubMed 19034401 (cited by OLLIN Analises Genomicas, OLLIN); PubMed 26903602 (cited by OLLIN Analises Genomicas, OLLIN); PubMed 16845400 (cited by OLLIN Analises Genomicas, OLLIN); PubMed 17846997 (cited by OLLIN Analises Genomicas, OLLIN); PubMed 20131292 (cited by OLLIN Analises Genomicas, OLLIN); PubMed 26846091 (cited by OLLIN Analises Genomicas, OLLIN); PubMed 28762473 (cited by OLLIN Analises Genomicas, OLLIN); PubMed 20236848 (cited by 7 submitters); PubMed 24166829 (cited by 10 submitters); PubMed 26661037 (cited by 5 submitters); PubMed 11747432 (cited by 7 submitters); PubMed 25778938 (cited by 9 submitters); PubMed 28251416 (cited by 6 submitters); PubMed 31943503 (cited by 4 submitters); PubMed 34405919 (cited by Ambry Genetics and Mayo Clinic Laboratories, Mayo Clinic); PubMed 38535129 (cited by Ambry Genetics); PubMed 31056765 (cited by 3 submitters); PubMed 33373331 (cited by Natera, Inc.); PubMed 29493581 (cited by Dasa); PubMed 18042262 (cited by Dasa); PubMed 17551924 (cited by Dasa).